The following is an entry in ClinVar:

ClinVar aggregate classification (germline): Uncertain significance (1 of 4 stars; one submission).

Conditions:
Catecholaminergic polymorphic ventricular tachycardia 1. Also called: RYR2-Related Catecholaminergic Polymorphic Ventricular Tachycardia; VENTRICULAR TACHYCARDIA, CATECHOLAMINERGIC POLYMORPHIC, 1, WITH OR WITHOUT ATRIAL DYSFUNCTION AND/OR DILATED CARDIOMYOPATHY; VENTRICULAR TACHYCARDIA, STRESS-INDUCED POLYMORPHIC 1. Identifiers: Orphanet 3286, MedGen C1631597, MONDO:0011484, OMIM 604772.

Submission:

Labcorp Genetics (formerly Invitae), Labcorp
Classification: Uncertain significance for Catecholaminergic polymorphic ventricular tachycardia 1. Last evaluated: 2024-04-15. Review status: criteria provided, single submitter. Criteria: Invitae Variant Classification Sherloc (09022015). Collection method: clinical testing. Allele origin: germline.
Comment: This sequence change creates a premature translational stop signal (p.Gly3623*) in the RYR2 gene. It is expected to result in an absent or disrupted protein product. However, the current clinical and genetic evidence is not sufficient to establish whether loss-of-function variants in RYR2 cause disease. This variant is not present in population databases (gnomAD no frequency). This variant has not been reported in the literature in individuals affected with RYR2-related conditions. In summary, the available evidence is currently insufficient to determine the role of this variant in disease. Therefore, it has been classified as a Variant of Uncertain Significance.

NM_001035.3(RYR2):c.10867G>T (p.Gly3623Ter)

Gene: RYR2 (ryanodine receptor 2; plus strand). Cytogenetic location: 1q43.
Variant type: single nucleotide variant.
Coding change: c.10867G>T on transcript NM_001035.3 (MANE Select); coding-DNA position 10867, G replaced by T.
Protein change: p.Gly3623Ter; replaces glycine 3623 with a stop codon.
Molecular consequence: nonsense.
Genome position (GRCh38, 1-based): chr1:237,730,288, G>T. VCF-style: chr1-237730288-G-T. GRCh37 (hg19) VCF-style: chr1-237893588-G-T.
Other names: short protein forms G3623*.
Identifiers: ClinVar variation 3649299 (VCV003649299.2).
Genomic context (GRCh38, chr1:237,730,288, plus strand): 5'-ACCCTTTTTCTGAAATTGTGCTTACCTTTCAGGCATCGGGCTGTCAATCTCTTTCTTCAG[G>T]GATATGAAAAGTCTTGGATTGAAACAGAAGAACATTACTTTGAAGATAAACTGATAGAAG-3'